The following is an entry in ClinVar:

NM_144658.4(DOCK11):c.3665C>T (p.Ala1222Val)

Gene: DOCK11 (dedicator of cytokinesis 11; plus strand). Cytogenetic location: Xq24.
Variant type: single nucleotide variant.
Coding change: c.3665C>T on transcript NM_144658.4 (MANE Select); coding-DNA position 3665, C replaced by T.
Protein change: p.Ala1222Val; replaces alanine 1222 with valine.
Molecular consequence: missense variant.
Genome position (GRCh38, 1-based): chrX:118,628,163, C>T. VCF-style: chrX-118628163-C-T. GRCh37 (hg19) VCF-style: chrX-117762126-C-T.
Other names: short protein forms A1222V.
Identifiers: ClinVar variation 4661671 (VCV004661671.3).

ClinVar aggregate classification (germline): Uncertain significance. Review status: criteria provided, multiple submitters, no conflicts (2 of 4 stars). 2 submissions from 2 submitters: Uncertain significance (2). Last evaluated 2025-10-22.

gnomAD v4.1: 21 of 1,177,736 alleles (0.0018%); highest among the groups gnomAD compares: African/African-American, 0.032%; no homozygotes.

Submissions (2):

Ambry Genetics
Classification: Uncertain significance. Last evaluated: 2025-10-22. Review status: criteria provided, single submitter. Criteria: Ambry Variant Classification Scheme 2023. Collection method: clinical testing. Allele origin: germline.

Dasa
Classification: Uncertain significance. Last evaluated: 2024-12-05. Review status: criteria provided, single submitter. Criteria: DASA Assertion Criteria. Collection method: clinical testing. Allele origin: germline.
Comment: NM_144658.4(DOCK11):c.3665C>T (p.Ala1222Val) is a missense variant that results in the substitution of alanine with valine. This variant is rare in population databases. Computational prediction algorithms are consistent with a benign effect. The currently available literature and clinical evidence are not sufficient to establish a definitive association between this variant and the reported condition. Therefore, this variant is classified as a variant of uncertain significance.